The following is an entry in ClinVar:

NM_001001331.4(ATP2B2):c.2813A>G (p.Lys938Arg)

Gene: ATP2B2 (ATPase plasma membrane Ca2+ transporting 2; minus strand). Cytogenetic location: 3p25.3.
Variant type: single nucleotide variant.
Coding change: c.2813A>G on transcript NM_001001331.4 (MANE Select); coding-DNA position 2813, A replaced by G.
Protein change: p.Lys938Arg; replaces lysine 938 with arginine.
Molecular consequence: missense variant.
Genome position (GRCh38, 1-based): chr3:10,342,856, T>C on the plus strand (A>G on the coding strand, the complement: ATP2B2 is on the minus strand). VCF-style: chr3-10342856-T-C. GRCh37 (hg19) VCF-style: chr3-10384540-T-C.
Other names: c.2678A>G, p.Lys893Arg (NM_001330611.3, NM_001353564.1, NM_001363862.1 and 1 more transcripts); short protein forms K938R, K893R.
Identifiers: ClinVar variation 2245485 (VCV002245485.4), dbSNP rs2470147084, ClinGen allele CA351777359.

ClinVar aggregate classification (germline): Uncertain significance. Review status: criteria provided, multiple submitters, no conflicts (2 of 4 stars). 2 submissions from 2 submitters: Uncertain significance (2). Last evaluated 2022-07-27.

Submissions (2):

GeneDx
Classification: Uncertain significance. Last evaluated: 2022-07-27. Review status: criteria provided, single submitter. Criteria: GeneDx Variant Classification Process June 2021. Collection method: clinical testing. Allele origin: germline. Affected: yes.
Comment: Not observed at significant frequency in large population cohorts (gnomAD); In silico analysis supports that this missense variant does not alter protein structure/function; Has not been previously published as pathogenic or benign to our knowledge

Ambry Genetics
Classification: Uncertain significance. Last evaluated: 2021-08-16. Review status: criteria provided, single submitter. Criteria: Ambry Variant Classification Scheme 2023. Collection method: clinical testing. Allele origin: germline.